The following is an entry in ClinVar:

ClinVar aggregate classification (germline): Likely benign. Review status: criteria provided, multiple submitters, no conflicts (2 of 4 stars). 2 submissions from 2 submitters: Likely benign (2). Last evaluated 2025-08-16.

Conditions:
ABHD12-related disorder. Also called: ABHD12-related condition.

Allele frequency attached by ClinVar (database versions not stated): TOPMed 0.00001; gnomAD 0.00002; 1000 Genomes Project 30x 0.00016.
gnomAD v4.1: 9 of 1,479,322 alleles (0.00061%); highest among the groups gnomAD compares: East Asian, 0.021%; no homozygotes.

Submissions (2):

PreventionGenetics, part of Exact Sciences
Classification: Likely benign for ABHD12-related condition. Last evaluated: 2025-08-16. Review status: criteria provided, single submitter. Criteria: ACMG Guidelines, 2015. Collection method: clinical testing. Allele origin: germline.
Comment: This variant is classified as likely benign based on ACMG/AMP sequence variant interpretation guidelines (Richards et al. 2015 PMID: 25741868, with internal and published modifications).

Labcorp Genetics (formerly Invitae), Labcorp
Classification: Likely benign. Last evaluated: 2023-09-08. Review status: criteria provided, single submitter. Criteria: Invitae Variant Classification Sherloc (09022015). Collection method: clinical testing. Allele origin: germline.

NM_001042472.3(ABHD12):c.141G>T (p.Ala47=)

Genes: ABHD12 (abhydrolase domain containing 12, lysophospholipase; minus strand), LOC130065586 (ATAC-STARR-seq lymphoblastoid silent region 12752; plus strand). Cytogenetic location: 20p11.21.
Variant type: single nucleotide variant.
Coding change: c.141G>T on transcript NM_001042472.3 (MANE Select); coding-DNA position 141, G replaced by T.
Protein change: p.Ala47=; no amino-acid change (alanine 47 retained).
Molecular consequence: synonymous variant.
Genome position (GRCh38, 1-based): chr20:25,390,563, C>A on the plus strand (G>T on the coding strand, the complement: ABHD12 is on the minus strand). VCF-style: chr20-25390563-C-A. GRCh37 (hg19) VCF-style: chr20-25371199-C-A.
Other names: c.141G>T, p.Ala47= (NM_015600.5); c.141G>T (NM_001042472.2).
Identifiers: ClinVar variation 2712417 (VCV002712417.4), dbSNP rs954334660, ClinGen allele CA313685990.